The following is an entry in ClinVar:

ClinVar aggregate classification (germline): Uncertain significance (1 of 4 stars; one submission).

Allele frequency attached by ClinVar (database versions not stated): gnomAD exomes below 0.00001; TOPMed 0.00001; ExAC 0.00002.
gnomAD v4.1: 3 of 1,612,468 alleles (0.00019%); highest among the groups gnomAD compares: Admixed American, 0.0017%; no homozygotes.

Submission:

Labcorp Genetics (formerly Invitae), Labcorp
Classification: Uncertain significance. Last evaluated: 2022-04-21. Review status: criteria provided, single submitter. Criteria: Invitae Variant Classification Sherloc (09022015). Collection method: clinical testing. Allele origin: germline.
Comment: This sequence change replaces tyrosine, which is neutral and polar, with cysteine, which is neutral and slightly polar, at codon 13 of the SLC45A2 protein (p.Tyr13Cys). This variant is present in population databases (rs747852390, gnomAD 0.003%). This variant has not been reported in the literature in individuals affected with SLC45A2-related conditions. Algorithms developed to predict the effect of missense changes on protein structure and function output the following: SIFT: "Tolerated"; PolyPhen-2: "Benign"; Align-GVGD: "Class C0". The cysteine amino acid residue is found in multiple mammalian species, which suggests that this missense change does not adversely affect protein function. In summary, the available evidence is currently insufficient to determine the role of this variant in disease. Therefore, it has been classified as a Variant of Uncertain Significance.

NM_016180.5(SLC45A2):c.38A>G (p.Tyr13Cys)

Gene: SLC45A2 (solute carrier family 45 member 2; minus strand). Cytogenetic location: 5p13.2.
Variant type: single nucleotide variant.
Coding change: c.38A>G on transcript NM_016180.5 (MANE Select); coding-DNA position 38, A replaced by G.
Protein change: p.Tyr13Cys; replaces tyrosine 13 with cysteine.
Molecular consequence: missense variant.
Genome position (GRCh38, 1-based): chr5:33,984,546, T>C on the plus strand (A>G on the coding strand, the complement: SLC45A2 is on the minus strand). VCF-style: chr5-33984546-T-C. GRCh37 (hg19) VCF-style: chr5-33984651-T-C.
Other names: c.38A>G, p.Tyr13Cys (NM_001012509.4, NM_001297417.4); short protein forms Y13C.
Identifiers: ClinVar variation 2129046 (VCV002129046.4), dbSNP rs747852390, ClinGen allele CA3225887.
Genomic context (GRCh38, chr5:33,984,546, plus strand): 5'-CTGGTGGGTCTTTTAGGCGGCTCCACAGAGTCAAAGGGGCCATCATCAGCTAGGGATTTA[T>C]AGATGTGGCGGCCAGCCTGCCCACTGTTGCTACCCATGGCCACTGGGAGAGGAACCTTCC-3'
Protein context (NP_057264.4, residues 3-23): SNSGQAGRHI[Tyr13Cys]KSLADDGPFD